The following is an entry in ClinVar:

ClinVar aggregate classification (germline): Pathogenic (1 of 4 stars; one submission).

Submission:

Labcorp Genetics (formerly Invitae), Labcorp
Classification: Pathogenic. Last evaluated: 2025-12-15. Review status: criteria provided, single submitter. Criteria: Invitae Variant Classification Sherloc (09022015). Collection method: clinical testing. Allele origin: germline.
Comment: This sequence change creates a premature translational stop signal (p.Glu311Glyfs*15) in the RDX gene. It is expected to result in an absent or disrupted protein product. Loss-of-function variants in RDX are known to be pathogenic (PMID: 12068294, 17226784). This variant is not present in population databases (gnomAD no frequency). This variant has not been reported in the literature in individuals affected with RDX-related conditions. ClinVar contains an entry for this variant (Variation ID: 2863763). For these reasons, this variant has been classified as Pathogenic.

Literature cited by the submitters: PubMed 12068294; PubMed 17226784.

NM_002906.4(RDX):c.930_931del (p.Glu311fs)

Gene: RDX (radixin; minus strand). Cytogenetic location: 11q22.3.
Variant type: Deletion.
Coding change: c.930_931del on transcript NM_002906.4 (MANE Select); coding-DNA positions 930 to 931, 2 bases deleted (GG; older notation c.930_931delGG).
Protein change: p.Glu311fs; shifts the reading frame from glutamic acid 311.
Molecular consequence: frameshift variant. On other transcripts: intron variant (2).
Genome position (GRCh38, 1-based): chr11:110,253,974-110,253,975, CC deleted on the plus strand (GG on the coding strand, the reverse complement: RDX is on the minus strand); deleting any 2 consecutive bases within chr11:110,253,974-110,253,976 gives the same sequence; the c. name uses the placement nearest the transcript's 3' end. VCF-style (leftmost placement, unchanged base first): chr11-110253973-TCC-T. GRCh37 (hg19) VCF-style: chr11-110124698-TCC-T.
Other names: c.930_931del, p.Glu311fs (NM_001260492.2, NM_001260493.2); c.522_523del, p.Glu175fs (NM_001260494.2); c.-82-6142_-82-6141del (NM_001260495.2); c.404+4182_404+4183del (NM_001260496.2); short protein forms E175fs, E311fs.
Identifiers: ClinVar variation 2863763 (VCV002863763.3), dbSNP rs2539410522, ClinGen allele CA2739270996.